The following is an entry in ClinVar:

ClinVar aggregate classification (germline): Uncertain significance (1 of 4 stars; one submission).

Conditions:
Duchenne muscular dystrophy (DMD). Also called: MUSCULAR DYSTROPHY, PSEUDOHYPERTROPHIC PROGRESSIVE, DUCHENNE TYPE; Duchenne Muscular Dystrophy (DMD). Identifiers: Orphanet 98896, MedGen C0013264, MONDO:0010679, OMIM 310200.

Submission:

Labcorp Genetics (formerly Invitae), Labcorp
Classification: Uncertain significance for Duchenne muscular dystrophy. Last evaluated: 2020-12-29. Review status: criteria provided, single submitter. Criteria: Invitae Variant Classification Sherloc (09022015). Collection method: clinical testing. Allele origin: germline.
Comment: In summary, the available evidence is currently insufficient to determine the role of this variant in disease. Therefore, it has been classified as a Variant of Uncertain Significance. Algorithms developed to predict the effect of missense changes on protein structure and function (SIFT, PolyPhen-2, Align-GVGD) all suggest that this variant is likely to be disruptive, but these predictions have not been confirmed by published functional studies and their clinical significance is uncertain. This variant has not been reported in the literature in individuals with DMD-related conditions. This variant is not present in population databases (ExAC no frequency). This sequence change replaces alanine with proline at codon 1766 of the DMD protein (p.Ala1766Pro). The alanine residue is highly conserved and there is a small physicochemical difference between alanine and proline.

NM_004006.3(DMD):c.5296G>C (p.Ala1766Pro)

Gene: DMD (dystrophin; minus strand). Cytogenetic location: Xp21.1.
Variant type: single nucleotide variant.
Coding change: c.5296G>C on transcript NM_004006.3 (MANE Select); coding-DNA position 5296, G replaced by C.
Protein change: p.Ala1766Pro; replaces alanine 1766 with proline.
Molecular consequence: missense variant.
Genome position (GRCh38, 1-based): chrX:32,362,817, C>G on the plus strand (G>C on the coding strand, the complement: DMD is on the minus strand). VCF-style: chrX-32362817-C-G. GRCh37 (hg19) VCF-style: chrX-32380934-C-G.
Other names: c.5272G>C, p.Ala1758Pro (NM_000109.4); c.5284G>C, p.Ala1762Pro (NM_004009.3); c.4927G>C, p.Ala1643Pro (NM_004010.3); c.1273G>C, p.Ala425Pro (NM_004011.4); c.1264G>C, p.Ala422Pro (NM_004012.4); short protein forms A1643P, A1766P, A1762P, A422P, A425P, A1758P.
Identifiers: ClinVar variation 1427574 (VCV001427574.8), dbSNP rs2147232676, ClinGen allele CA412670989.